The following is an entry in ClinVar:

NM_001308173.3(CCNJL):c.280+4168T>C

Gene: CCNJL (cyclin J like; minus strand). Cytogenetic location: 5q33.3.
Variant type: single nucleotide variant.
Coding change: c.280+4168T>C on transcript NM_001308173.3 (MANE Select); 4168 bases into the intron after coding-DNA position 280, T replaced by C.
Molecular consequence: intron variant. On other transcripts: synonymous variant (1).
Genome position (GRCh38, 1-based): chr5:160,276,357, A>G on the plus strand (T>C on the coding strand, the complement: CCNJL is on the minus strand). VCF-style: chr5-160276357-A-G. GRCh37 (hg19) VCF-style: chr5-159703364-A-G.
Other names: c.336T>C, p.His112= (NM_024565.8).
Identifiers: ClinVar variation 4821106 (VCV004821106.4).

ClinVar aggregate classification (germline): Likely benign (1 of 4 stars; one submission).

Submission:

CeGaT Center for Human Genetics Tuebingen
Classification: Likely benign. Last evaluated: 2026-03-01. Review status: criteria provided, single submitter. Criteria: CeGaT Center For Human Genetics Tuebingen Variant Classification Criteria Version 2. Collection method: clinical testing. Allele origin: germline. Affected: yes. Observed: 1 variant allele.
Comment: CCNJL: BP4, BP7